The following is an entry in ClinVar:

ClinVar aggregate classification (germline): Uncertain significance (1 of 4 stars; one submission).

Conditions:
Ataxia-telangiectasia syndrome (AT). Also called: Ataxia-telangiectasia; LOUIS-BAR SYNDROME; Ataxia-telangiectasia, complementation group D; AT, COMPLEMENTATION GROUP C; ATAXIA-TELANGIECTASIA, COMPLEMENTATION GROUP A; ATAXIA-TELANGIECTASIA, FRESNO VARIANT. Identifiers: Orphanet 100, MedGen C0004135, MONDO:0008840, OMIM 208900.

Allele frequency attached by ClinVar (database versions not stated): gnomAD 0.00001.
gnomAD v4.1: 1 of 1,604,002 alleles (0.000062%); highest among the groups gnomAD compares: South Asian, 0.0011%; no homozygotes.

Submission:

Labcorp Genetics (formerly Invitae), Labcorp
Classification: Uncertain significance for Ataxia-telangiectasia syndrome. Last evaluated: 2021-11-13. Review status: criteria provided, single submitter. Criteria: Invitae Variant Classification Sherloc (09022015). Collection method: clinical testing. Allele origin: germline.
Comment: This sequence change replaces lysine, which is basic and polar, with glutamic acid, which is acidic and polar, at codon 2670 of the ATM protein (p.Lys2670Glu). This variant is not present in population databases (gnomAD no frequency). This variant has not been reported in the literature in individuals affected with ATM-related conditions. Algorithms developed to predict the effect of missense changes on protein structure and function (SIFT, PolyPhen-2, Align-GVGD) all suggest that this variant is likely to be disruptive. In summary, the available evidence is currently insufficient to determine the role of this variant in disease. Therefore, it has been classified as a Variant of Uncertain Significance.

NM_000051.4(ATM):c.8008A>G (p.Lys2670Glu)

Genes: ATM (ATM serine/threonine kinase; plus strand), C11orf65 (chromosome 11 open reading frame 65; minus strand). Cytogenetic location: 11q22.3.
Variant type: single nucleotide variant.
Coding change: c.8008A>G on transcript NM_000051.4 (MANE Select); coding-DNA position 8008, A replaced by G.
Protein change: p.Lys2670Glu; replaces lysine 2670 with glutamic acid.
Molecular consequence: missense variant. On other transcripts: intron variant (2).
Genome position (GRCh38, 1-based): chr11:108,333,966, A>G. VCF-style: chr11-108333966-A-G. GRCh37 (hg19) VCF-style: chr11-108204693-A-G.
Other names: c.8008A>G, p.Lys2670Glu (NM_001351834.2); c.641-24895T>C (NM_001330368.2); c.*38+1254T>C (NM_001351110.2); short protein forms K2670E.
Identifiers: ClinVar variation 1351252 (VCV001351252.7), dbSNP rs2086557212, ClinGen allele CA382561814.
Genomic context (GRCh38, chr11:108,333,966, plus strand): 5'-GACCAGCCAATTACTAAACTTAAGAATTTAGAAGATGTTGTTGTCCCTACTATGGAAATT[A>G]AGGTAATTTGCAATTAACTCTTGATTTTTTTTAAACTAAATTTTTTTTATTAGATTGAAC-3'
Protein context (NP_000042.3, residues 2660-2680): EDVVVPTMEI[Lys2670Glu]VDHTGEYGNL